The following is an entry in ClinVar:

NM_001256545.2(MEGF10):c.520C>T (p.Arg174Trp)

Gene: MEGF10 (multiple EGF like domains 10; plus strand). Cytogenetic location: 5q23.2.
Variant type: single nucleotide variant.
Coding change: c.520C>T on transcript NM_001256545.2 (MANE Select); coding-DNA position 520, C replaced by T.
Protein change: p.Arg174Trp; replaces arginine 174 with tryptophan.
Molecular consequence: missense variant.
Genome position (GRCh38, 1-based): chr5:127,396,639, C>T. VCF-style: chr5-127396639-C-T. GRCh37 (hg19) VCF-style: chr5-126732331-C-T.
Other names: c.520C>T, p.Arg174Trp (NM_001308119.2, NM_001308121.2, NM_032446.3); short protein forms R174W.
Identifiers: ClinVar variation 472744 (VCV000472744.7), dbSNP rs756799749, ClinGen allele CA3391311.

ClinVar aggregate classification (germline): Uncertain significance. Review status: criteria provided, multiple submitters, no conflicts (2 of 4 stars). 2 submissions from 2 submitters: Uncertain significance (2). Last evaluated 2024-11-11.

Conditions:
MEGF10-related myopathy (CMYO10A). Also called: Congenital myopathy 10A, severe variant. Identifiers: Orphanet 439212, MedGen C3280679, MONDO:0013731, OMIM 614399.

Allele frequency attached by ClinVar (database versions not stated): gnomAD 0.00001; TOPMed 0.00002.
gnomAD v4.1: 6 of 1,613,910 alleles (0.00037%); highest among the groups gnomAD compares: Admixed American, 0.0033%; no homozygotes.

Submissions (2):

Labcorp Genetics (formerly Invitae), Labcorp
Classification: Uncertain significance for MEGF10-related myopathy. Last evaluated: 2024-11-11. Review status: criteria provided, single submitter. Criteria: Invitae Variant Classification Sherloc (09022015). Collection method: clinical testing. Allele origin: germline.
Comment: This sequence change replaces arginine, which is basic and polar, with tryptophan, which is neutral and slightly polar, at codon 174 of the MEGF10 protein (p.Arg174Trp). This variant is present in population databases (rs756799749, gnomAD 0.003%). This variant has not been reported in the literature in individuals affected with MEGF10-related conditions. ClinVar contains an entry for this variant (Variation ID: 472744). Invitae Evidence Modeling of protein sequence and biophysical properties (such as structural, functional, and spatial information, amino acid conservation, physicochemical variation, residue mobility, and thermodynamic stability) indicates that this missense variant is not expected to disrupt MEGF10 protein function with a negative predictive value of 80%. In summary, the available evidence is currently insufficient to determine the role of this variant in disease. Therefore, it has been classified as a Variant of Uncertain Significance.

Baylor Genetics
Classification: Uncertain significance for MEGF10-related myopathy. Last evaluated: 2018-12-23. Review status: criteria provided, single submitter. Criteria: ACMG Guidelines, 2015. Collection method: clinical testing. Allele origin: unknown. Affected: yes.
Comment: This variant was determined to be of uncertain significance according to ACMG Guidelines, 2015 [PMID:25741868].